The following is an entry in ClinVar:

ClinVar aggregate classification (germline): Pathogenic (1 of 4 stars; one submission).

Submission:

Labcorp Genetics (formerly Invitae), Labcorp
Classification: Pathogenic. Last evaluated: 2022-11-08. Review status: criteria provided, single submitter. Criteria: Invitae Variant Classification Sherloc (09022015). Collection method: clinical testing. Allele origin: germline.
Comment: This variant has not been reported in the literature in individuals affected with LCT-related conditions. This variant is present in population databases (rs770186794, gnomAD 0.0009%). This sequence change creates a premature translational stop signal (p.Ile1646*) in the LCT gene. It is expected to result in an absent or disrupted protein product. Loss-of-function variants in LCT are known to be pathogenic (PMID: 16400612, 25881162). For these reasons, this variant has been classified as Pathogenic.

Literature cited by the submitters: PubMed 16400612; PubMed 25881162.

NM_002299.4(LCT):c.4935_4936insTGATGAATACGCGG (p.Ile1646Ter)

Gene: LCT (lactase; minus strand). Cytogenetic location: 2q21.3.
Variant type: Insertion.
Coding change: c.4935_4936insTGATGAATACGCGG on transcript NM_002299.4 (MANE Select); coding-DNA positions 4935 to 4936, TGATGAATACGCGG inserted.
Protein change: p.Ile1646Ter; replaces isoleucine 1646 with a stop codon.
Molecular consequence: nonsense.
Genome position: GRCh38 VCF-style: chr2-135798069-T-TCCGCGTATTCATCA. GRCh37 (hg19) VCF-style: chr2-136555639-T-TCCGCGTATTCATCA.
Other names: short protein forms I1646*.
Identifiers: ClinVar variation 2812857 (VCV002812857.3), dbSNP rs770186794, ClinGen allele CA1887735.
Genomic context (GRCh38, chr2:135,798,069, plus strand): 5'-TGCGGGCACCAGGCCCTTACCGAGACTTGTTGAGGCCTGCAGCCAAGCTCCTGTCACGGA[T>TCCGCGTATTCATCA]CCGCGTCTTCATCACCTCATTGTAATCTCCATTCTTGAAAATAGGATGTGCAAACCAGCC-3'